The following is an entry in ClinVar:

NM_001009944.3(PKD1):c.2992G>C (p.Ala998Pro)

Gene: PKD1 (polycystin 1, transient receptor potential channel interacting; minus strand). Cytogenetic location: 16p13.3.
Variant type: single nucleotide variant.
Coding change: c.2992G>C on transcript NM_001009944.3 (MANE Select); coding-DNA position 2992, G replaced by C.
Protein change: p.Ala998Pro; replaces alanine 998 with proline.
Molecular consequence: missense variant.
Genome position (GRCh38, 1-based): chr16:2,112,957, C>G on the plus strand (G>C on the coding strand, the complement: PKD1 is on the minus strand). VCF-style: chr16-2112957-C-G. GRCh37 (hg19) VCF-style: chr16-2162958-C-G.
Other names: c.2992G>C, p.Ala998Pro (NM_000296.4); c.2992G>C (NM_001009944.2); short protein forms A998P.
Identifiers: ClinVar variation 997317 (VCV000997317.2), dbSNP rs2092557509, ClinGen allele CA394385270.

ClinVar aggregate classification (germline): Uncertain significance. Review status: no assertion criteria provided (0 of 4 stars). 2 submissions from 2 submitters: Uncertain significance (2). Last evaluated 2024-04-28.

Conditions:
Polycystic kidney disease. Also called: Polycystic kidney dysplasia; Kidney, Polycystic. Identifiers: MedGen C0022680, MeSH D007690, MONDO:0020642, HP:0000113.
PKD1-related disorder. Also called: PKD1-related condition.

Submissions (2):

PreventionGenetics, part of Exact Sciences
Classification: Uncertain significance for PKD1-related condition. Last evaluated: 2024-04-28. Review status: no assertion criteria provided. Collection method: clinical testing. Allele origin: germline.
Comment: The PKD1 c.2992G>C variant is predicted to result in the amino acid substitution p.Ala998Pro. This variant was reported in an individual with polycystic kidney disease (Table S3 & S6, Hwang et al. 2016. PubMed ID: 26453610). This variant has not been reported in a large population database, indicating this variant is rare. At this time, the clinical significance of this variant is uncertain due to the absence of conclusive functional and genetic evidence.

Department of Pathology and Laboratory Medicine, Sinai Health System
Classification: Uncertain significance for Polycystic Kidney disease. Review status: no assertion criteria provided. Collection method: clinical testing. Allele origin: unknown. Affected: yes. Study: The Canadian Open Genetics Repository (COGR).
Comment: PKD1, EXON13, c.2992G>C, p.Ala998Pro, Heterozygous, Uncertain SignificancernThe PKD1 p.Ala998Pro variant was identified in 1 of 440 proband chromosomes (frequency: 0.002) from individuals or families with ADPKD (Hwang 2016). The variant was found to segregate with disease in 1-2 disease-informative family members (Hwang 2016). The variant was not identified in dbSNP, ClinVar, LOVD 3.0, ADPKD Mutation Database, or PKD1-LOVD. The variant was not identified in the following control databases: the Exome Aggregation Consortium (August 8th 2016) or the Genome Aggregation Database (Feb 27, 2017). The p.Ala998 residue is conserved in mammals and computational analyses (PolyPhen-2, SIFT, AlignGVGD, BLOSUM, MutationTaster) provide inconsistent predictions regarding the impact to the protein; this information is not very predictive of pathogenicity. The variant occurs outside of the splicing consensus sequence and in silico or computational prediction software programs (SpliceSiteFinder, MaxEntScan, NNSPLICE, GeneSplicer) do not predict a difference in splicing. In summary, based on the above information the clinical significance of this variant cannot be determined with certainty at this time. This variant is classified as a variant of uncertain significance.